The following is an entry in ClinVar:

ClinVar aggregate classification (germline): Pathogenic/Likely pathogenic. Review status: criteria provided, multiple submitters, no conflicts (2 of 4 stars). 4 submissions from 4 submitters: Pathogenic (1); Likely pathogenic (3). Last evaluated 2025-07-24.

Conditions:
Pheochromocytoma. Also called: MAX-Related Hereditary Paraganglioma-Pheochromocytoma Syndrome. Identifiers: Orphanet 29072, MedGen C0031511, MONDO:0008233, OMIM 171300, HP:0002666.
Pheochromocytoma/paraganglioma syndrome 4. Also called: CAROTID BODY TUMORS AND MULTIPLE EXTRAADRENAL PHEOCHROMOCYTOMAS; PARAGANGLIOMA, FAMILIAL MALIGNANT; PARAGANGLIOMAS, HEREDITARY EXTRAADRENAL; PHEOCHROMOCYTOMA, FAMILIAL EXTRAADRENAL; Paragangliomas 4; SDHB-Related Hereditary Paraganglioma-Pheochromocytoma Syndrome (Paragangliomas 4). Identifiers: Orphanet 29072, MedGen C1861848, MONDO:0007273, OMIM 115310.
Gastrointestinal stromal tumor. Also called: Gastrointestinal stromal tumor, somatic; Gastrointestinal stroma tumor. Identifiers: Orphanet 44890, MedGen C0238198, MeSH D046152, MONDO:0011719, OMIM 606764, HP:0100723.
Hereditary cancer-predisposing syndrome. Also called: Neoplastic Syndromes, Hereditary; Tumor predisposition; Hereditary Cancer Syndrome; Hereditary neoplastic syndrome. Identifiers: Orphanet 140162, MedGen C0027672, MeSH D009386, MONDO:0015356.

Submissions (4):

Ambry Genetics
Classification: Pathogenic for Hereditary cancer-predisposing syndrome. Last evaluated: 2025-07-24. Review status: criteria provided, single submitter. Criteria: Ambry Variant Classification Scheme 2023. Collection method: clinical testing. Allele origin: germline.
Comment: The p.C93Y pathogenic mutation (also known as c.278G>A), located in coding exon 3 of the SDHB gene, results from a G to A substitution at nucleotide position 278. The cysteine at codon 93 is replaced by tyrosine, an amino acid with highly dissimilar properties. Another alteration at the same codon, p.C93R (c.277T>C), has been detected in several individuals diagnosed with paragangliomas (Lima J et al. J. Clin. Endocrinol. Metab. 2007 Dec;92:4853-64; Neumann HP et al. Cancer Res. 2009 Apr;69:3650-6; Ambry internal data). The p.C93Y variant disrupts the functional motif in the protein structure (Inaoka DK et al. Int J Mol Sci, 2015 Jul;16:15287-308). This amino acid position is highly conserved in available vertebrate species. In addition, this alteration is predicted to be deleterious by in silico analysis. This variant is considered to be rare based on population cohorts in the Genome Aggregation Database (gnomAD). Based on the supporting evidence, this variant is interpreted as a disease-causing mutation.

GeneDx
Classification: Likely pathogenic. Last evaluated: 2023-11-27. Review status: criteria provided, single submitter. Criteria: GeneDx Variant Classification Process June 2021. Collection method: clinical testing. Allele origin: germline. Affected: yes.
Comment: In silico analysis supports that this missense variant has a deleterious effect on protein structure/function; Not observed at significant frequency in large population cohorts (gnomAD); This variant is associated with the following publications: (PMID: 28646318, 32971818, 31492822, 17848412, 19258401, 26719882)

Labcorp Genetics (formerly Invitae), Labcorp
Classification: Likely pathogenic for Gastrointestinal stromal tumor; Pheochromocytoma/paraganglioma syndrome 4; Pheochromocytoma. Last evaluated: 2023-06-09. Review status: criteria provided, single submitter. Criteria: Invitae Variant Classification Sherloc (09022015). Collection method: clinical testing. Allele origin: germline.
Comment: In summary, the currently available evidence indicates that the variant is pathogenic, but additional data are needed to prove that conclusively. Therefore, this variant has been classified as Likely Pathogenic. This variant disrupts the p.Cys93 amino acid residue in SDHB. Other variant(s) that disrupt this residue have been determined to be pathogenic (PMID: 17848412, 19351833, 28374168, 31492822). This suggests that this residue is clinically significant, and that variants that disrupt this residue are likely to be disease-causing. Advanced modeling of protein sequence and biophysical properties (such as structural, functional, and spatial information, amino acid conservation, physicochemical variation, residue mobility, and thermodynamic stability) performed at Invitae indicates that this missense variant is expected to disrupt SDHB protein function. ClinVar contains an entry for this variant (Variation ID: 1796021). This missense change has been observed in individuals with paraganglioma and pheochromocytoma (PMID: 19258401; Invitae). This variant is not present in population databases (gnomAD no frequency). This sequence change replaces cysteine, which is neutral and slightly polar, with tyrosine, which is neutral and polar, at codon 93 of the SDHB protein (p.Cys93Tyr).

Myriad Genetics, Inc.
Classification: Likely pathogenic for Pheochromocytoma/paraganglioma syndrome 4. Last evaluated: 2023-04-25. Review status: criteria provided, single submitter. Criteria: Myriad Autosomal Dominant, Autosomal Recessive and X-Linked Classification Criteria (2023). Collection method: clinical testing. Allele origin: unknown.
Comment: This variant is considered likely pathogenic. This variant has been reported in multiple individuals with clinical features of gene-specific disease [PMID: 19258401, 17848412, 32971818, 28646318, 31492822]. This variant is expected to disrupt protein structure [Myriad internal data].

Literature cited by the submitters: PubMed 19258401 (cited by 3 submitters); PubMed 26198225 (cited by Ambry Genetics); PubMed 17848412 (cited by Labcorp Genetics (formerly Invitae), Labcorp and Myriad Genetics, Inc.); PubMed 19351833 (cited by Labcorp Genetics (formerly Invitae), Labcorp); PubMed 28374168 (cited by Labcorp Genetics (formerly Invitae), Labcorp); PubMed 31492822 (cited by Labcorp Genetics (formerly Invitae), Labcorp and Myriad Genetics, Inc.); PubMed 32971818 (cited by Myriad Genetics, Inc.); PubMed 28646318 (cited by Myriad Genetics, Inc.).

NM_003000.3(SDHB):c.278G>A (p.Cys93Tyr)

Gene: SDHB (succinate dehydrogenase complex iron sulfur subunit B; minus strand). Cytogenetic location: 1p36.13.
Variant type: single nucleotide variant.
Coding change: c.278G>A on transcript NM_003000.3 (MANE Select); coding-DNA position 278, G replaced by A.
Protein change: p.Cys93Tyr; replaces cysteine 93 with tyrosine.
Molecular consequence: missense variant.
Genome position (GRCh38, 1-based): chr1:17,033,068, C>T on the plus strand (G>A on the coding strand, the complement: SDHB is on the minus strand). VCF-style: chr1-17033068-C-T. GRCh37 (hg19) VCF-style: chr1-17359563-C-T.
Other names: c.278G>A, p.Cys93Tyr (NM_001407361.1); short protein forms C93Y.
Identifiers: ClinVar variation 1796021 (VCV001796021.9), dbSNP rs1131691054, ClinGen allele CA338276413.